The following is an entry in ClinVar:

NM_000051.4(ATM):c.7024G>T (p.Gly2342Cys)

Genes: ATM (ATM serine/threonine kinase; plus strand), C11orf65 (chromosome 11 open reading frame 65; minus strand). Cytogenetic location: 11q22.3.
Variant type: single nucleotide variant.
Coding change: c.7024G>T on transcript NM_000051.4 (MANE Select); coding-DNA position 7024, G replaced by T.
Protein change: p.Gly2342Cys; replaces glycine 2342 with cysteine.
Molecular consequence: missense variant. On other transcripts: intron variant (2).
Genome position (GRCh38, 1-based): chr11:108,327,693, G>T. VCF-style: chr11-108327693-G-T. GRCh37 (hg19) VCF-style: chr11-108198420-G-T.
Other names: c.7024G>T, p.Gly2342Cys (NM_001351834.2); c.641-18622C>A (NM_001330368.2); c.*38+7527C>A (NM_001351110.2); short protein forms G2342C.
Identifiers: ClinVar variation 1404265 (VCV001404265.43), dbSNP rs1555121015, ClinGen allele CA382558796.

ClinVar aggregate classification (germline): Conflicting classifications of pathogenicity. Review status: criteria provided, conflicting classifications (1 of 4 stars). 3 submissions from 3 submitters: Likely pathogenic (1); Uncertain significance (2). Last evaluated 2026-07-22.

Conditions:
Ataxia-telangiectasia syndrome (AT). Also called: Ataxia-telangiectasia; LOUIS-BAR SYNDROME; Ataxia-telangiectasia, complementation group D; AT, COMPLEMENTATION GROUP C; ATAXIA-TELANGIECTASIA, COMPLEMENTATION GROUP A; ATAXIA-TELANGIECTASIA, FRESNO VARIANT. Identifiers: Orphanet 100, MedGen C0004135, MONDO:0008840, OMIM 208900.
Hereditary cancer-predisposing syndrome. Also called: Tumor predisposition; Neoplastic Syndromes, Hereditary; Hereditary Cancer Syndrome; Hereditary neoplastic syndrome. Identifiers: Orphanet 140162, MedGen C0027672, MeSH D009386, MONDO:0015356.
Familial cancer of breast. Also called: BREAST CANCER, FAMILIAL; Hereditary breast cancer; hereditary breast carcinoma. Identifiers: Orphanet 227535, MedGen C0346153, MONDO:0016419, OMIM 114480. Disease mechanism: loss of function.

Submissions (3):

Myriad Genetics, Inc.
Classification: Likely pathogenic for Familial cancer of breast. Last evaluated: 2026-07-22. Review status: criteria provided, single submitter. Criteria: Myriad Autosomal Dominant, Autosomal Recessive and X-Linked Classification Criteria (2023). Collection method: clinical testing. Allele origin: unknown.
Comment: This variant is considered likely pathogenic. This variant has been reported in an individual with clinical features of gene-specific disease [PMID: 31050087]. Functional studies indicate this variant impacts protein function [PMID: 40580951]. This variant is expected to disrupt protein structure [Myriad internal data].

Color Diagnostics, LLC DBA Color Health
Classification: Uncertain significance for Hereditary cancer-predisposing syndrome. Last evaluated: 2024-06-14. Review status: criteria provided, single submitter. Criteria: ACMG Guidelines, 2015. Collection method: clinical testing. Allele origin: germline.
Comment: This missense variant replaces glycine with cysteine at codon 2342 of the ATM protein. Computational prediction suggests that this variant may have deleterious impact on protein structure and function. To our knowledge, functional studies have not been reported for this variant. This variant has been observed in the compound heterozygous state with a pathogenic variant in an individual affected with autosomal recessive ataxia-telangectasia (PMID: 31050087), indicating that this variant contributes to disease. This variant has not been identified in the general population by the Genome Aggregation Database (gnomAD). The available evidence is insufficient to determine the role of this variant in disease conclusively. Therefore, this variant is classified as a Variant of Uncertain Significance.

Labcorp Genetics (formerly Invitae), Labcorp
Classification: Uncertain significance for Ataxia-telangiectasia syndrome. Last evaluated: 2021-09-29. Review status: criteria provided, single submitter. Criteria: Invitae Variant Classification Sherloc (09022015). Collection method: clinical testing. Allele origin: germline.
Comment: This sequence change replaces glycine with cysteine at codon 2342 of the ATM protein (p.Gly2342Cys). The glycine residue is highly conserved and there is a large physicochemical difference between glycine and cysteine. This variant is not present in population databases (ExAC no frequency). This missense change has been observed in individual(s) with clinical features of ataxia‚Äêtelangiectasia (PMID: 31050087). Algorithms developed to predict the effect of missense changes on protein structure and function (SIFT, PolyPhen-2, Align-GVGD) all suggest that this variant is likely to be disruptive. In summary, the available evidence is currently insufficient to determine the role of this variant in disease. Therefore, it has been classified as a Variant of Uncertain Significance.

Literature cited by the submitters: PubMed 31050087 (cited by 3 submitters); PubMed 40580951 (cited by Myriad Genetics, Inc.).